The following is an entry in ClinVar:

ClinVar aggregate classification (germline): Uncertain significance (1 of 4 stars; one submission).

Submission:

Labcorp Genetics (formerly Invitae), Labcorp
Classification: Uncertain significance. Last evaluated: 2022-02-09. Review status: criteria provided, single submitter. Criteria: Invitae Variant Classification Sherloc (09022015). Collection method: clinical testing. Allele origin: germline.
Comment: In summary, the available evidence is currently insufficient to determine the role of this variant in disease. Therefore, it has been classified as a Variant of Uncertain Significance. Algorithms developed to predict the effect of missense changes on protein structure and function are either unavailable or do not agree on the potential impact of this missense change (SIFT: "Deleterious"; PolyPhen-2: "Probably Damaging"; Align-GVGD: "Class C15"). This variant has not been reported in the literature in individuals affected with CDT1-related conditions. This variant is present in population databases (no rsID available, gnomAD 0.006%). This sequence change replaces asparagine, which is neutral and polar, with isoleucine, which is neutral and non-polar, at codon 235 of the CDT1 protein (p.Asn235Ile).

NM_030928.4(CDT1):c.704A>T (p.Asn235Ile)

Gene: CDT1 (chromatin licensing and DNA replication factor 1; plus strand). Cytogenetic location: 16q24.3.
Variant type: single nucleotide variant.
Coding change: c.704A>T on transcript NM_030928.4 (MANE Select); coding-DNA position 704, A replaced by T.
Protein change: p.Asn235Ile; replaces asparagine 235 with isoleucine.
Molecular consequence: missense variant.
Genome position (GRCh38, 1-based): chr16:88,805,741, A>T. VCF-style: chr16-88805741-A-T. GRCh37 (hg19) VCF-style: chr16-88872149-A-T.
Other names: short protein forms N235I.
Identifiers: ClinVar variation 1897419 (VCV001897419.5), dbSNP rs761792897, ClinGen allele CA397076538.
Genomic context (GRCh38, chr16:88,805,741, plus strand): 5'-TGGGCCCGGGCCTGCCTCCTGAGCCGCCCCCATCCTCCCATAGGCGTTTTGAGGAGTGCA[A>T]TGTTGGCCAGATCAAAACCGTGTACCCGGCCTCCTACCGCTTCCGCCAGGAGCGCAGTGT-3'
Protein context (NP_112190.2, residues 225-245): DMMRRRFEEC[Asn235Ile]VGQIKTVYPA